The following is an entry in ClinVar:

NM_001042492.3(NF1):c.8471A>C (p.Gln2824Pro)

Gene: NF1 (neurofibromin 1; plus strand). Cytogenetic location: 17q11.2.
Variant type: single nucleotide variant.
Coding change: c.8471A>C on transcript NM_001042492.3 (MANE Select); coding-DNA position 8471, A replaced by C.
Protein change: p.Gln2824Pro; replaces glutamine 2824 with proline.
Molecular consequence: missense variant.
Genome position (GRCh38, 1-based): chr17:31,374,106, A>C. VCF-style: chr17-31374106-A-C. GRCh37 (hg19) VCF-style: chr17-29701124-A-C.
Other names: c.8408A>C, p.Gln2803Pro (NM_000267.4); short protein forms Q2824P, Q2803P.
Identifiers: ClinVar variation 2002623 (VCV002002623.4), dbSNP rs2151601532, ClinGen allele CA399206049.

ClinVar aggregate classification (germline): Uncertain significance (1 of 4 stars; one submission).

Conditions:
Neurofibromatosis, type 1 (NF1). Also called: Neurofibromatosis, type I; Peripheral type neurofibromatosis; NEUROFIBROMATOSIS, TYPE I, SOMATIC; VON RECKLINGHAUSEN DISEASE. Identifiers: Orphanet 636, MedGen C0027831, MONDO:0018975, OMIM 162200. Disease mechanism: loss of function.

Submission:

Labcorp Genetics (formerly Invitae), Labcorp
Classification: Uncertain significance for Neurofibromatosis, type 1. Last evaluated: 2022-06-07. Review status: criteria provided, single submitter. Criteria: Invitae Variant Classification Sherloc (09022015). Collection method: clinical testing. Allele origin: germline.
Comment: This variant has not been reported in the literature in individuals affected with NF1-related conditions. In summary, the available evidence is currently insufficient to determine the role of this variant in disease. Therefore, it has been classified as a Variant of Uncertain Significance. Algorithms developed to predict the effect of missense changes on protein structure and function are either unavailable or do not agree on the potential impact of this missense change (SIFT: "Deleterious"; PolyPhen-2: "Benign"; Align-GVGD: "Class C0"). This variant is not present in population databases (gnomAD no frequency). This sequence change replaces glutamine, which is neutral and polar, with proline, which is neutral and non-polar, at codon 2803 of the NF1 protein (p.Gln2803Pro).